The following is an entry in ClinVar:

NM_002227.4(JAK1):c.1988A>G (p.Asn663Ser)

Gene: JAK1 (Janus kinase 1; minus strand). Cytogenetic location: 1p31.3.
Variant type: single nucleotide variant.
Coding change: c.1988A>G on transcript NM_002227.4 (MANE Select); coding-DNA position 1988, A replaced by G.
Protein change: p.Asn663Ser; replaces asparagine 663 with serine.
Molecular consequence: missense variant.
Genome position (GRCh38, 1-based): chr1:64,845,640, T>C on the plus strand (A>G on the coding strand, the complement: JAK1 is on the minus strand). VCF-style: chr1-64845640-T-C. GRCh37 (hg19) VCF-style: chr1-65311323-T-C.
Other names: c.1988A>G, p.Asn663Ser (NM_001320923.2, NM_001321852.2, NM_001321853.2 and 3 more transcripts); c.1985A>G, p.Asn662Ser (NM_001321857.2); short protein forms N663S, N662S.
Identifiers: ClinVar variation 4773565 (VCV004773565.1).

ClinVar aggregate classification (germline): Uncertain significance (1 of 4 stars; one submission).

gnomAD v4.1: 8 of 1,614,028 alleles (0.0005%); highest among the groups gnomAD compares: Non-Finnish European, 0.00051%; no homozygotes.

Submission:

Labcorp Genetics (formerly Invitae), Labcorp
Classification: Uncertain significance. Last evaluated: 2026-02-01. Review status: criteria provided, single submitter. Criteria: Invitae Variant Classification Sherloc (09022015). Collection method: clinical testing. Allele origin: germline.
Comment: This sequence change replaces asparagine, which is neutral and polar, with serine, which is neutral and polar, at codon 663 of the JAK1 protein (p.Asn663Ser). This variant is present in population databases (rs766740839, gnomAD 0.0009%). This variant has not been reported in the literature in individuals affected with JAK1-related conditions. An algorithm developed to predict the effect of missense changes on protein structure and function (PolyPhen-2) suggests that this variant is likely to be disruptive. In summary, the available evidence is currently insufficient to determine the role of this variant in disease. Therefore, it has been classified as a Variant of Uncertain Significance.